The following is an entry in ClinVar:

NM_000088.4(COL1A1):c.1882_1886dup (p.Glu630fs)

Gene: COL1A1 (collagen type I alpha 1 chain; minus strand). Cytogenetic location: 17q21.33.
Variant type: Duplication.
Coding change: c.1882_1886dup on transcript NM_000088.4 (MANE Select); coding-DNA positions 1882 to 1886, 5 bases duplicated (GCTGG; older notation c.1882_1886dupGCTGG).
Protein change: p.Glu630fs; shifts the reading frame from glutamic acid 630.
Molecular consequence: frameshift variant.
Genome position (GRCh38, 1-based): chr17:50,192,683-50,192,687, CCAGC duplicated on the plus strand (GCTGG on the coding strand, the reverse complement: COL1A1 is on the minus strand). VCF-style (leftmost placement, unchanged base first): chr17-50192682-G-GCCAGC. GRCh37 (hg19) VCF-style: chr17-48270043-G-GCCAGC.
Other names: short protein forms E630fs.
Identifiers: ClinVar variation 2697197 (VCV002697197.3), dbSNP rs2509206975, ClinGen allele CA2697560406.

ClinVar aggregate classification (germline): Pathogenic (1 of 4 stars; one submission).

Conditions:
Osteogenesis imperfecta type I (OI1). Also called: Lobstein's Disease; Lobstein disease; OI, TYPE I; OSTEOGENESIS IMPERFECTA TARDA; OSTEOGENESIS IMPERFECTA WITH BLUE SCLERAE; Osteogenesis imperfecta type 1. Identifiers: Orphanet 216796, Orphanet 666, MedGen C0023931, MONDO:0008146, OMIM 166200. Disease mechanism: loss of function.

Submission:

Labcorp Genetics (formerly Invitae), Labcorp
Classification: Pathogenic for Osteogenesis imperfecta type I. Last evaluated: 2023-11-18. Review status: criteria provided, single submitter. Criteria: Invitae Variant Classification Sherloc (09022015). Collection method: clinical testing. Allele origin: germline.
Comment: This sequence change creates a premature translational stop signal (p.Glu630Leufs*138) in the COL1A1 gene. It is expected to result in an absent or disrupted protein product. Loss-of-function variants in COL1A1 are known to be pathogenic (PMID: 7942841, 9295084, 9443882). This variant is not present in population databases (gnomAD no frequency). This variant has not been reported in the literature in individuals affected with COL1A1-related conditions. For these reasons, this variant has been classified as Pathogenic.

Literature cited by the submitters: PubMed 7942841; PubMed 9295084; PubMed 9443882.